The following is an entry in ClinVar:

NM_001278116.2(L1CAM):c.3186C>T (p.Ser1062=)

Gene: L1CAM (L1 cell adhesion molecule; minus strand). Cytogenetic location: Xq28.
Variant type: single nucleotide variant.
Coding change: c.3186C>T on transcript NM_001278116.2 (MANE Select); coding-DNA position 3186, C replaced by T.
Protein change: p.Ser1062=; no amino-acid change (serine 1062 retained).
Molecular consequence: synonymous variant.
Genome position (GRCh38, 1-based): chrX:153,864,458, G>A on the plus strand (C>T on the coding strand, the complement: L1CAM is on the minus strand). VCF-style: chrX-153864458-G-A. GRCh37 (hg19) VCF-style: chrX-153129913-G-A.
Other names: c.3186C>T, p.Ser1062= (NM_000425.5, NM_024003.3); c.3171C>T, p.Ser1057= (NM_001143963.2); c.3186C>T (NM_000425.3).
Identifiers: ClinVar variation 4753634 (VCV004753634.2).

ClinVar aggregate classification (germline): Conflicting classifications of pathogenicity. Review status: criteria provided, conflicting classifications (1 of 4 stars). 2 submissions from 2 submitters: Uncertain significance (1); Likely benign (1). Last evaluated 2026-04-18.

Conditions:
Spastic paraplegia. Identifiers: MedGen C0037772, HP:0001258.

gnomAD v4.1: 11 of 1,210,774 alleles (0.00091%); highest among the groups gnomAD compares: Non-Finnish European, 0.0012%; no homozygotes.

Submissions (2):

GeneDx
Classification: Uncertain significance. Last evaluated: 2026-04-18. Review status: criteria provided, single submitter. Criteria: GeneDx Variant Classification Process June 2021. Collection method: clinical testing. Allele origin: germline.
Comment: In silico analysis suggests this variant may impact gene splicing. In the absence of RNA/functional studies, the actual effect of this sequence change is unknown.; Has not been previously published as pathogenic or benign to our knowledge

Labcorp Genetics (formerly Invitae), Labcorp
Classification: Likely benign for Spastic paraplegia. Last evaluated: 2025-06-09. Review status: criteria provided, single submitter. Criteria: Invitae Variant Classification Sherloc (09022015). Collection method: clinical testing. Allele origin: germline.